The following is an entry in ClinVar:

NM_001692.4(ATP6V1B1):c.341G>A (p.Arg114Gln)

Gene: ATP6V1B1 (ATPase H+ transporting V1 subunit B1; plus strand). Cytogenetic location: 2p13.3.
Variant type: single nucleotide variant.
Coding change: c.341G>A on transcript NM_001692.4 (MANE Select); coding-DNA position 341, G replaced by A.
Protein change: p.Arg114Gln; replaces arginine 114 with glutamine.
Molecular consequence: missense variant.
Genome position (GRCh38, 1-based): chr2:70,958,400, G>A. VCF-style: chr2-70958400-G-A. GRCh37 (hg19) VCF-style: chr2-71185530-G-A.
Other names: short protein forms R114Q.
Identifiers: ClinVar variation 638431 (VCV000638431.18), dbSNP rs200269431, ClinGen allele CA1700999.

ClinVar aggregate classification (germline): Uncertain significance. Review status: criteria provided, multiple submitters, no conflicts (2 of 4 stars). 10 submissions from 10 submitters: Uncertain significance (9). 1 of the submissions does not count toward it. Last evaluated 2026-07-30.

Conditions:
Inborn genetic diseases. Identifiers: MedGen C0950123, MeSH D030342.
ATP6V1B1-related disorder. Also called: ATP6V1B1-related condition.
Renal tubular acidosis with progressive nerve deafness. Also called: Distal Renal Tubular Acidosis with Progressive Sensorineural Deafness; renal tubular acidosis, distal, 2, with progressive sensorineural hearing loss; RENAL TUBULAR ACIDOSIS, AUTOSOMAL RECESSIVE, WITH PROGRESSIVE NERVE DEAFNESS; RTA WITH PROGRESSIVE NERVE DEAFNESS. Identifiers: MedGen C0403554, MONDO:0009968, OMIM 267300.

Allele frequency attached by ClinVar (database versions not stated): 1000 Genomes Project 30x 0.00016; gnomAD 0.00019 and 0.00020; 1000 Genomes Project 0.00020; gnomAD exomes 0.00021; TOPMed 0.00021; ExAC 0.00025; ESP Exome Variant Server 0.00031.
gnomAD v4.1: 378 of 1,596,490 alleles (0.024%); highest among the groups gnomAD compares: Middle Eastern, 0.083%; no homozygotes.

Submissions (10):

PreventionGenetics, part of Exact Sciences
Classification: Uncertain significance for ATP6V1B1-related condition. Last evaluated: 2026-07-30. Review status: criteria provided, single submitter. Criteria: ACMG Guidelines, 2015. Collection method: clinical testing. Allele origin: germline.
Comment: The ATP6V1B1 c.341G>A variant is predicted to result in the amino acid substitution p.Arg114Gln. To our knowledge, this variant has not been reported in the literature. This variant is reported in 0.033% of alleles in individuals of European (Non-Finnish) descent in gnomAD. At this time, the clinical significance of this variant is uncertain due to the absence of conclusive functional and genetic evidence.

Fulgent Genetics
Classification: Uncertain significance for Renal tubular acidosis with progressive nerve deafness. Last evaluated: 2024-03-01. Review status: criteria provided, single submitter. Criteria: ACMG Guidelines, 2015. Collection method: clinical testing. Allele origin: germline.

Ambry Genetics
Classification: Uncertain significance for Inborn genetic diseases. Last evaluated: 2023-12-18. Review status: criteria provided, single submitter. Criteria: Ambry Variant Classification Scheme 2023. Collection method: clinical testing. Allele origin: germline.

Labcorp Genetics (formerly Invitae), Labcorp
Classification: Uncertain significance. Last evaluated: 2022-08-10. Review status: criteria provided, single submitter. Criteria: Invitae Variant Classification Sherloc (09022015). Collection method: clinical testing. Allele origin: germline.
Comment: This sequence change replaces arginine, which is basic and polar, with glutamine, which is neutral and polar, at codon 114 of the ATP6V1B1 protein (p.Arg114Gln). This variant is present in population databases (rs200269431, gnomAD 0.03%). This variant has not been reported in the literature in individuals affected with ATP6V1B1-related conditions. ClinVar contains an entry for this variant (Variation ID: 638431). Algorithms developed to predict the effect of missense changes on protein structure and function are either unavailable or do not agree on the potential impact of this missense change (SIFT: "Deleterious"; PolyPhen-2: "Benign"; Align-GVGD: "Class C0"). In summary, the available evidence is currently insufficient to determine the role of this variant in disease. Therefore, it has been classified as a Variant of Uncertain Significance.

Revvity Omics, Revvity
Classification: Uncertain significance for Renal tubular acidosis with progressive nerve deafness. Last evaluated: 2021-06-17. Review status: criteria provided, single submitter. Criteria: ACMG Guidelines, 2015. Collection method: clinical testing. Allele origin: germline.

GeneDx
Classification: Uncertain significance. Last evaluated: 2021-02-17. Review status: criteria provided, single submitter. Criteria: GeneDx Variant Classification Process June 2021. Collection method: clinical testing. Allele origin: germline. Affected: yes.
Comment: In silico analysis supports that this missense variant does not alter protein structure/function; Has not been previously published as pathogenic or benign to our knowledge; This variant is associated with the following publications: (PMID: 27535533)

Baylor Genetics
Classification: Uncertain significance for Renal tubular acidosis with progressive nerve deafness. Last evaluated: 2019-08-01. Review status: criteria provided, single submitter. Criteria: ACMG Guidelines, 2015. Collection method: clinical testing. Allele origin: unknown. Affected: yes.
Comment: This variant was determined to be of uncertain significance according to ACMG Guidelines, 2015 [PMID:25741868].

Genomic Research Center, Shahid Beheshti University of Medical Sciences
Classification: Uncertain significance for Renal tubular acidosis with progressive nerve deafness. Last evaluated: 2019-04-27. Review status: criteria provided, single submitter. Criteria: ACMG Guidelines, 2015. Collection method: clinical testing. Allele origin: unknown. Affected: no.

Breakthrough Genomics
Classification: Uncertain significance. Review status: criteria provided, single submitter. Criteria: ACMG Guidelines, 2015. Collection method: not provided. Allele origin: germline. Inheritance: Autosomal recessive inheritance. Affected: yes.

Natera, Inc.
Classification: Uncertain significance for Renal tubular acidosis with progressive nerve deafness. Last evaluated: 2019-12-18. Review status: no assertion criteria provided. Collection method: clinical testing. Allele origin: germline. Not counted in ClinVar's aggregate classification.